The following is an entry in ClinVar:

ClinVar aggregate classification (germline): Pathogenic. Review status: criteria provided, multiple submitters, no conflicts (2 of 4 stars). 2 submissions from 2 submitters: Pathogenic (2). Last evaluated 2023-12-17.

Conditions:
Hereditary spastic paraplegia 4. Also called: Familial spastic paraplegia autosomal dominant 2; Spastic paraplegia 4, autosomal dominant; Spastic Paraplegia 4. Identifiers: Orphanet 100985, MedGen C1866855, MONDO:0008438, OMIM 182601.

Submissions (2):

Labcorp Genetics (formerly Invitae), Labcorp
Classification: Pathogenic for Hereditary spastic paraplegia 4. Last evaluated: 2023-12-17. Review status: criteria provided, single submitter. Criteria: Invitae Variant Classification Sherloc (09022015). Collection method: clinical testing. Allele origin: germline.
Comment: This sequence change replaces threonine, which is neutral and polar, with alanine, which is neutral and non-polar, at codon 389 of the SPAST protein (p.Thr389Ala). This variant is not present in population databases (gnomAD no frequency). This missense change has been observed in individual(s) with clinical features of hereditary spastic paraplegia (Invitae). In at least one individual the variant was observed to be de novo. ClinVar contains an entry for this variant (Variation ID: 188190). Advanced modeling of protein sequence and biophysical properties (such as structural, functional, and spatial information, amino acid conservation, physicochemical variation, residue mobility, and thermodynamic stability) performed at Invitae indicates that this missense variant is expected to disrupt SPAST protein function with a positive predictive value of 80%. Algorithms developed to predict the effect of sequence changes on RNA splicing suggest that this variant may disrupt the consensus splice site. For these reasons, this variant has been classified as Pathogenic.

Paris Brain Institute, Inserm - ICM
Classification: Pathogenic for Hereditary spastic paraplegia 4. Review status: criteria provided, single submitter. Criteria: ACMG Guidelines, 2015. Collection method: clinical testing. Allele origin: unknown. Affected: yes. Observed: 1 variant allele.

NM_014946.4(SPAST):c.1165A>G (p.Thr389Ala)

Gene: SPAST (spastin; plus strand). Cytogenetic location: 2p22.3.
Variant type: single nucleotide variant.
Coding change: c.1165A>G on transcript NM_014946.4 (MANE Select); coding-DNA position 1165, A replaced by G.
Protein change: p.Thr389Ala; replaces threonine 389 with alanine.
Molecular consequence: missense variant.
Genome position (GRCh38, 1-based): chr2:32,127,014, A>G. VCF-style: chr2-32127014-A-G. GRCh37 (hg19) VCF-style: chr2-32352083-A-G.
Other names: c.1162A>G, p.Thr388Ala (NM_001363823.2); c.1066A>G, p.Thr356Ala (NM_001363875.2); c.1069A>G, p.Thr357Ala (NM_001377959.1, NM_199436.2); short protein forms T389A, T356A, T357A, T388A.
Identifiers: ClinVar variation 188190 (VCV000188190.10), dbSNP rs786204132, ClinGen allele CA334274.
Genomic context (GRCh38, chr2:32,127,014, plus strand): 5'-ACAGGGCTTAGAGCTCCTGCCAGAGGGCTGTTACTCTTTGGTCCACCTGGGAATGGGAAG[A>G]CAATGCTGGTAAGGGTTCTCTTCAAATTTGAGTTTTCTGTTGAGATATTTGGGATAATAT-3'
Protein context (NP_055761.2, residues 379-399): LLFGPPGNGK[Thr389Ala]MLAKAVAAES